The following is an entry in ClinVar:

ClinVar aggregate classification (germline): Uncertain significance (1 of 4 stars; one submission).

Submission:

Ambry Genetics
Classification: Uncertain significance. Last evaluated: 2025-09-08. Review status: criteria provided, single submitter. Criteria: Ambry Variant Classification Scheme 2023. Collection method: clinical testing. Allele origin: germline.
Comment: The c.372C>T variant (also known as p.S124S), located in coding exon 2 of the RNF43 gene, results from a C to T substitution at nucleotide position 372. This nucleotide substitution does not change the serine at codon 124. This nucleotide position is not well conserved in available vertebrate species. In silico splice site analysis predicts that this alteration will result in the creation or strengthening of a novel splice donor site. The evidence for this gene-disease relationship is limited; therefore, the clinical significance of this alteration is unclear.

NM_017763.6(RNF43):c.372C>T (p.Ser124=)

Gene: RNF43 (ring finger protein 43; minus strand). Cytogenetic location: 17q22.
Variant type: single nucleotide variant.
Coding change: c.372C>T on transcript NM_017763.6 (MANE Select); coding-DNA position 372, C replaced by T.
Protein change: p.Ser124=; no amino-acid change (serine 124 retained).
Molecular consequence: synonymous variant. On other transcripts: 5 prime UTR variant (2).
Genome position (GRCh38, 1-based): chr17:58,370,914, G>A on the plus strand (C>T on the coding strand, the complement: RNF43 is on the minus strand). VCF-style: chr17-58370914-G-A. GRCh37 (hg19) VCF-style: chr17-56448275-G-A.
Other names: c.372C>T, p.Ser124= (NM_001305544.3, NM_001438820.1, NM_001438821.1 and 1 more transcripts); c.-10C>T (NM_001305545.2, NM_001437987.1).
Identifiers: ClinVar variation 4155791 (VCV004155791.1).
Genomic context (GRCh38, chr17:58,370,914, plus strand): 5'-TCACAGCCCAGAGCTGGGTGAAGCTCCGGGTGTGTGTAGGGCGAAGTGTGAGTCTACCTT[G>A]CTAGCCAGTGACAGGCAGGGGCGGGGGGCCCGTCGAGGACTCTCCAGCTTGACGATGCTG-3'
Protein context (NP_060233.3, residues 114-134): RAPRPCLSLA[Ser124=]KARMAGERGA